The following is an entry in ClinVar:

NM_000123.4(ERCC5):c.136del (p.His46fs)

Genes: BIVM-ERCC5 (BIVM-ERCC5 readthrough; plus strand), ERCC5 (ERCC excision repair 5, endonuclease; plus strand). Cytogenetic location: 13q33.1.
Variant type: Deletion.
Coding change: c.136del on transcript NM_000123.4 (MANE Select); coding-DNA position 136, one base deleted (C; older notation c.136delC).
Protein change: p.His46fs; shifts the reading frame from histidine 46.
Molecular consequence: frameshift variant.
Genome position (GRCh38, 1-based): chr13:102,852,165, C deleted; the last of 2 consecutive C bases (chr13:102,852,164-102,852,165); deleting either gives the same sequence. VCF-style (leftmost placement, unchanged base first): chr13-102852163-GC-G. GRCh37 (hg19) VCF-style: chr13-103504513-GC-G.
Other names: c.1498del, p.His500fs (NM_001204425.2); short protein forms H46fs, H500fs.
Identifiers: ClinVar variation 3391244 (VCV003391244.1), dbSNP rs1187206011.
Genomic context (GRCh38, chr13:102,852,163, plus strand): 5'-TAACAATTCTCCCAGATATTAGCATTTGGTTAAACCAAGCACTTAAAGGAGTCCGGGATC[GC>G]CATGGGAACTCAATAGAAAATCCTCATCTTCTCACTTTGTTTCATCGGCTCTGCAAACTC-3'

ClinVar aggregate classification (germline): Likely pathogenic (1 of 4 stars; one submission).

Conditions:
Xeroderma pigmentosum, group G (XPG). Also called: Xeroderma pigmentosum type 7; ERCC5-Related Xeroderma Pigmentosum; XERODERMA PIGMENTOSUM VII; XP, GROUP G. Identifiers: MedGen C0268141, MONDO:0010216, OMIM 278780.

Submission:

Neuberg Centre For Genomic Medicine, NCGM
Classification: Likely pathogenic for Xeroderma pigmentosum, group G. Review status: criteria provided, single submitter. Criteria: ACMG Guidelines, 2015. Collection method: clinical testing. Allele origin: germline. Inheritance: Autosomal recessive inheritance. Affected: yes.
Comment: The observed frameshift c.136del p.His46MetfsTer5 variant in ERCC5 gene has not been previously reported as pathogenic variant nor as a benign variant, to our knowledge. The p.His46MetfsTer5 variant is present with allele frequency of 0.0004% in gnomAD Exomes. This variant has not been submitted to the ClinVar database. This variant causes a frameshift starting with codon Histidine 46, changes this amino acid to Methionine residue, and creates a premature Stop codon at position 5 of the new reading frame, denoted p.His46MetfsTer5. This variant is predicted to cause loss of normal protein function through protein truncation. Loss of function variants in ERCC5 have been previously reported to be disease causing Wang et al., 2015. Additional functional studies will be required to prove the pathogencity of this variant. For these reasons, this variant has been classified as Likely Pathogenic.